The following is an entry in ClinVar:

ClinVar aggregate classification (germline): Uncertain significance. Review status: criteria provided, single submitter (1 of 4 stars). 2 submissions from 2 submitters: Uncertain significance (1). 1 of the submissions does not count toward it. Last evaluated 2025-08-04.

Conditions:
Bardet-Biedl syndrome 12 (BBS12). Identifiers: Orphanet 110, MedGen C1859570, MONDO:0014440, OMIM 615989.

Allele frequency attached by ClinVar (database versions not stated): gnomAD exomes below 0.00001.
gnomAD v4.1: 1 of 1,614,276 alleles (0.000062%); highest among the groups gnomAD compares: Non-Finnish European, 0.000085%; no homozygotes.

Submissions (2):

Myriad Genetics, Inc.
Classification: Uncertain significance for Bardet-Biedl syndrome 12. Last evaluated: 2025-08-04. Review status: criteria provided, single submitter. Criteria: Myriad Autosomal Dominant, Autosomal Recessive and X-Linked Classification Criteria (2023). Collection method: clinical testing. Allele origin: unknown.
Comment: NM_152618.2(BBS12):c.1577T>C(L526S) is a missense variant classified as a variant of uncertain significance in the context of Bardet-Biedl syndrome, BBS12-related. L526S has been observed in a case with relevant disease (PMID: 39990901). Relevant functional assessments of this variant are not available in the literature. L526S has been observed in referenced population frequency databases. In summary, there is insufficient evidence to classify NM_152618.2(BBS12):c.1577T>C(L526S) as pathogenic or benign. Please note: this variant was assessed in the context of healthy population screening.

Natera, Inc.
Classification: Uncertain significance for Bardet-Biedl syndrome type 12. Last evaluated: 2020-08-13. Review status: no assertion criteria provided. Collection method: clinical testing. Allele origin: germline. Not counted in ClinVar's aggregate classification.

Literature cited by the submitters: PubMed 39990901 (cited by Myriad Genetics, Inc.).

NM_152618.3(BBS12):c.1577T>C (p.Leu526Ser)

Gene: BBS12 (Bardet-Biedl syndrome 12; plus strand). Cytogenetic location: 4q27.
Variant type: single nucleotide variant.
Coding change: c.1577T>C on transcript NM_152618.3 (MANE Select); coding-DNA position 1577, T replaced by C.
Protein change: p.Leu526Ser; replaces leucine 526 with serine.
Molecular consequence: missense variant.
Genome position (GRCh38, 1-based): chr4:122,743,469, T>C. VCF-style: chr4-122743469-T-C. GRCh37 (hg19) VCF-style: chr4-123664624-T-C.
Other names: c.1577T>C, p.Leu526Ser (NM_001178007.2); short protein forms L526S.
Identifiers: ClinVar variation 990255 (VCV000990255.2), dbSNP rs1560708457, ClinGen allele CA358225422.
Genomic context (GRCh38, chr4:122,743,469, plus strand): 5'-ACCCAGTTACTGCACAGATGCAAATCAAAGAAGATAGGTTCTGGACATGTGCCTATCGTT[T>C]GTATTATGCTCTAAAAGAGGAAAAGGTCTTCCTTGGAGGTGGTGCAGTTGAATTTTTGTG-3'
Protein context (NP_689831.2, residues 516-536): EDRFWTCAYR[Leu526Ser]YYALKEEKVF